The following is an entry in ClinVar:

NM_006231.4(POLE):c.6183G>C (p.Gln2061His)

Gene: POLE (DNA polymerase epsilon, catalytic subunit; minus strand). Cytogenetic location: 12q24.33.
Variant type: single nucleotide variant.
Coding change: c.6183G>C on transcript NM_006231.4 (MANE Select); coding-DNA position 6183, G replaced by C.
Protein change: p.Gln2061His; replaces glutamine 2061 with histidine.
Molecular consequence: missense variant.
Genome position (GRCh38, 1-based): chr12:132,632,462, C>G on the plus strand (G>C on the coding strand, the complement: POLE is on the minus strand). VCF-style: chr12-132632462-C-G. GRCh37 (hg19) VCF-style: chr12-133209048-C-G.
Other names: short protein forms Q2061H.
Identifiers: ClinVar variation 1410549 (VCV001410549.8), dbSNP rs2138461028, ClinGen allele CA387369856.

ClinVar aggregate classification (germline): Uncertain significance (1 of 4 stars; one submission).

Submission:

Labcorp Genetics (formerly Invitae), Labcorp
Classification: Uncertain significance. Last evaluated: 2021-06-08. Review status: criteria provided, single submitter. Criteria: Invitae Variant Classification Sherloc (09022015). Collection method: clinical testing. Allele origin: germline.
Comment: This sequence change replaces glutamine with histidine at codon 2061 of the POLE protein (p.Gln2061His). The glutamine residue is moderately conserved and there is a small physicochemical difference between glutamine and histidine. This variant is not present in population databases (ExAC no frequency). This variant has not been reported in the literature in individuals with POLE-related conditions. Algorithms developed to predict the effect of missense changes on protein structure and function (SIFT, PolyPhen-2, Align-GVGD) all suggest that this variant is likely to be tolerated, but these predictions have not been confirmed by published functional studies and their clinical significance is uncertain. In summary, the available evidence is currently insufficient to determine the role of this variant in disease. Therefore, it has been classified as a Variant of Uncertain Significance.